The following is an entry in ClinVar:

NM_032119.4(ADGRV1):c.16210G>T (p.Val5404Phe)

Gene: ADGRV1 (adhesion G protein-coupled receptor V1; plus strand). Cytogenetic location: 5q14.3.
Variant type: single nucleotide variant.
Coding change: c.16210G>T on transcript NM_032119.4 (MANE Select); coding-DNA position 16210, G replaced by T.
Protein change: p.Val5404Phe; replaces valine 5404 with phenylalanine.
Molecular consequence: missense variant. On other transcripts: non-coding transcript variant (1).
Genome position (GRCh38, 1-based): chr5:90,823,438, G>T. VCF-style: chr5-90823438-G-T. GRCh37 (hg19) VCF-style: chr5-90119255-G-T.
Other names: short protein forms V5404F.
Identifiers: ClinVar variation 1513090 (VCV001513090.9), dbSNP rs1470053497, ClinGen allele CA360425470.
Genomic context (GRCh38, chr5:90,823,438, plus strand): 5'-GGGGATGACACCCTCTGTTAAGGCATTGGTGGGTTTCTTGCTCACAGGGCCTTTGAAGAT[G>T]TCAAGGTCTTTTGGCGAGTCACACTTAACAAAACAGTCGTCGTGCTCCAGAAGGATGGGG-3'
Protein context (NP_115495.3, residues 5394-5414): TRQPNRAFED[Val5404Phe]KVFWRVTLNK

ClinVar aggregate classification (germline): Uncertain significance. Review status: criteria provided, multiple submitters, no conflicts (2 of 4 stars). 2 submissions from 2 submitters: Uncertain significance (2). Last evaluated 2024-01-19.

Submissions (2):

Labcorp Genetics (formerly Invitae), Labcorp
Classification: Uncertain significance. Last evaluated: 2024-01-19. Review status: criteria provided, single submitter. Criteria: Invitae Variant Classification Sherloc (09022015). Collection method: clinical testing. Allele origin: germline.
Comment: This sequence change replaces valine, which is neutral and non-polar, with phenylalanine, which is neutral and non-polar, at codon 5404 of the ADGRV1 protein (p.Val5404Phe). This variant is not present in population databases (gnomAD no frequency). This variant has not been reported in the literature in individuals affected with ADGRV1-related conditions. ClinVar contains an entry for this variant (Variation ID: 1513090). Advanced modeling of protein sequence and biophysical properties (such as structural, functional, and spatial information, amino acid conservation, physicochemical variation, residue mobility, and thermodynamic stability) performed at Invitae indicates that this missense variant is not expected to disrupt ADGRV1 protein function with a negative predictive value of 80%. In summary, the available evidence is currently insufficient to determine the role of this variant in disease. Therefore, it has been classified as a Variant of Uncertain Significance.

Blueprint Genetics
Classification: Uncertain significance. Last evaluated: 2021-10-12. Review status: criteria provided, single submitter. Criteria: ACMG Guidelines, 2015. Collection method: clinical testing. Allele origin: germline.